The following is an entry in ClinVar:

ClinVar aggregate classification (germline): Uncertain significance. Review status: criteria provided, multiple submitters, no conflicts (2 of 4 stars). 2 submissions from 2 submitters: Uncertain significance (2). Last evaluated 2024-08-19.

Conditions:
Renpenning syndrome. Also called: GOLABI-ITO-HALL SYNDROME; Mental retardation, X-linked Renpenning type; X-linked mental retardation with spastic diplegia; X-linked mental retardation syndromic 3; Sutherland-Haan syndrome; SUTHERLAND-HAAN X-LINKED MENTAL RETARDATION SYNDROME. Identifiers: Orphanet 3242, MedGen C0796135, MONDO:0010653, OMIM 309500.

Allele frequency attached by ClinVar (database versions not stated): gnomAD exomes 0.00001 and 0.00002; TOPMed 0.00001.

Submissions (2):

Women's Health and Genetics/Laboratory Corporation of America, LabCorp
Classification: Uncertain significance. Last evaluated: 2024-08-19. Review status: criteria provided, single submitter. Criteria: LabCorp Variant Classification Summary - May 2015. Collection method: clinical testing. Allele origin: germline.
Comment: Variant summary: PQBP1 c.671G>A (p.Arg224Gln) results in a conservative amino acid change in the encoded protein sequence. Four of five in-silico tools predict a benign effect of the variant on protein function. The variant allele was found at a frequency of 1.9e-05 in 156448 control chromosomes. The available data on variant occurrences in the general population are insufficient to allow any conclusion about variant significance. c.671G>A has been reported in the literature in at least one hemizygous male affected with Renpenning syndrome (e.g., Yi_2023). These data do not allow any conclusion about variant significance. To our knowledge, no experimental evidence demonstrating an impact on protein function has been reported. The following publication has been ascertained in the context of this evaluation (PMID: 36478645). ClinVar contains an entry for this variant (Variation ID: 1031571). Based on the evidence outlined above, the variant was classified as uncertain significance.

Baylor Genetics
Classification: Uncertain significance for Renpenning syndrome. Last evaluated: 2018-05-07. Review status: criteria provided, single submitter. Criteria: ACMG Guidelines, 2015. Collection method: clinical testing. Allele origin: maternal. Affected: yes.
Comment: This variant was determined to be of uncertain significance according to ACMG Guidelines, 2015 [PMID:25741868].

Literature cited by the submitters: PubMed 36478645 (cited by Women's Health and Genetics/Laboratory Corporation of America, LabCorp).

NM_001032382.2(PQBP1):c.671G>A (p.Arg224Gln)

Gene: PQBP1 (polyglutamine binding protein 1; plus strand). Cytogenetic location: Xp11.23.
Variant type: single nucleotide variant.
Coding change: c.671G>A on transcript NM_001032382.2 (MANE Select); coding-DNA position 671, G replaced by A.
Protein change: p.Arg224Gln; replaces arginine 224 with glutamine.
Molecular consequence: missense variant.
Genome position (GRCh38, 1-based): chrX:48,902,957, G>A. VCF-style: chrX-48902957-G-A. GRCh37 (hg19) VCF-style: chrX-48760234-G-A.
Other names: c.671G>A, p.Arg224Gln (NM_001032381.2, NM_001032383.2, NM_001032384.1 and 1 more transcripts); c.668G>A, p.Arg223Gln (NM_001167989.2); c.647G>A, p.Arg216Gln (NM_001167990.2); c.371G>A, p.Arg124Gln (NM_001167992.1); c.386G>A, p.Arg129Gln (NM_144495.3); short protein forms R129Q, R216Q, R224Q, R124Q, R223Q.
Identifiers: ClinVar variation 1031571 (VCV001031571.2), dbSNP rs1249414837, ClinGen allele CA412891511.